The following is an entry in ClinVar:

NM_006270.5(RRAS):c.549T>G (p.Phe183Leu)

Gene: RRAS (RAS related; minus strand). Cytogenetic location: 19q13.33.
Variant type: single nucleotide variant.
Coding change: c.549T>G on transcript NM_006270.5 (MANE Select); coding-DNA position 549, T replaced by G.
Protein change: p.Phe183Leu; replaces phenylalanine 183 with leucine.
Molecular consequence: missense variant.
Genome position (GRCh38, 1-based): chr19:49,635,757, A>C on the plus strand (T>G on the coding strand, the complement: RRAS is on the minus strand). VCF-style: chr19-49635757-A-C. GRCh37 (hg19) VCF-style: chr19-50139014-A-C.
Other names: short protein forms F183L.
Identifiers: ClinVar variation 4863500 (VCV004863500.2).

ClinVar aggregate classification (germline): Uncertain significance. Review status: criteria provided, multiple submitters, no conflicts (2 of 4 stars). 2 submissions from 2 submitters: Uncertain significance (2). Last evaluated 2026-03-23.

gnomAD v4.1: 5 of 1,591,690 alleles (0.00031%); highest among the groups gnomAD compares: Non-Finnish European, 0.00034%; no homozygotes.

Submissions (2):

Ambry Genetics
Classification: Uncertain significance. Last evaluated: 2026-03-23. Review status: criteria provided, single submitter. Criteria: Ambry Variant Classification Scheme 2023. Collection method: clinical testing. Allele origin: germline.
Comment: The p.F183L variant (also known as c.549T>G), located in coding exon 5 of the RRAS gene, results from a T to G substitution at nucleotide position 549. The phenylalanine at codon 183 is replaced by leucine, an amino acid with highly similar properties. This amino acid position is conserved. In addition, this alteration is predicted to be deleterious by in silico analysis. Based on the available evidence, the clinical significance of this variant remains unclear.

Blueprint Genetics
Classification: Uncertain significance. Last evaluated: 2017-09-08. Review status: criteria provided, single submitter. Criteria: ACMG Guidelines, 2015. Collection method: clinical testing. Allele origin: germline.